The following is an entry in ClinVar:

ClinVar aggregate classification (germline): Uncertain significance. Review status: criteria provided, multiple submitters, no conflicts (2 of 4 stars). 2 submissions from 2 submitters: Uncertain significance (2). Last evaluated 2026-01-12.

Conditions:
Congenital disorder of glycosylation, type IIq. Also called: CDG IIq. Identifiers: Orphanet 435934, MedGen C4479353, MONDO:0054559, OMIM 617395.

Allele frequency attached by ClinVar (database versions not stated): gnomAD 0.00001; TOPMed 0.00002; ExAC 0.00004; gnomAD exomes 0.00006.
gnomAD v4.1: 82 of 1,613,852 alleles (0.0051%); highest among the groups gnomAD compares: Non-Finnish European, 0.0065%; no homozygotes.

Submissions (2):

Labcorp Genetics (formerly Invitae), Labcorp
Classification: Uncertain significance for Congenital disorder of glycosylation, type IIq. Last evaluated: 2026-01-12. Review status: criteria provided, single submitter. Criteria: Invitae Variant Classification Sherloc (09022015). Collection method: clinical testing. Allele origin: germline.
Comment: This sequence change replaces glutamic acid, which is acidic and polar, with lysine, which is basic and polar, at codon 62 of the COG2 protein (p.Glu62Lys). This variant is present in population databases (rs761579955, gnomAD 0.006%). This variant has not been reported in the literature in individuals affected with COG2-related conditions. ClinVar contains an entry for this variant (Variation ID: 2063998). Invitae Evidence Modeling of protein sequence and biophysical properties (such as structural, functional, and spatial information, amino acid conservation, physicochemical variation, residue mobility, and thermodynamic stability) indicates that this missense variant is expected to disrupt COG2 protein function with a positive predictive value of 80%. In summary, the available evidence is currently insufficient to determine the role of this variant in disease. Therefore, it has been classified as a Variant of Uncertain Significance.

Ambry Genetics
Classification: Uncertain significance. Last evaluated: 2025-09-28. Review status: criteria provided, single submitter. Criteria: Ambry Variant Classification Scheme 2023. Collection method: clinical testing. Allele origin: germline.

NM_007357.3(COG2):c.184G>A (p.Glu62Lys)

Gene: COG2 (component of oligomeric golgi complex 2; plus strand). Cytogenetic location: 1q42.2.
Variant type: single nucleotide variant.
Coding change: c.184G>A on transcript NM_007357.3 (MANE Select); coding-DNA position 184, G replaced by A.
Protein change: p.Glu62Lys; replaces glutamic acid 62 with lysine.
Molecular consequence: missense variant.
Genome position (GRCh38, 1-based): chr1:230,659,575, G>A. VCF-style: chr1-230659575-G-A. GRCh37 (hg19) VCF-style: chr1-230795321-G-A.
Other names: c.184G>A, p.Glu62Lys (NM_001145036.2); short protein forms E62K.
Identifiers: ClinVar variation 2063998 (VCV002063998.5), dbSNP rs761579955, ClinGen allele CA1447302.
Genomic context (GRCh38, chr1:230,659,575, plus strand): 5'-CTGGAAGAACTGAGAGATGACCTGGAGCTCTACTATAAACTTCTTAAAACAGCCATGGTC[G>A]AACTCATCAACAAGGATTATGCAGATTTTGTCAATCTTTCAACAAACTTGGTAAACTTTA-3'
Protein context (NP_031383.1, residues 52-72): YYKLLKTAMV[Glu62Lys]LINKDYADFV